The following is an entry in ClinVar:

NM_006073.4(TRDN):c.531del (p.Glu178fs)

Gene: TRDN (triadin; minus strand). Cytogenetic location: 6q22.31.
Variant type: Deletion.
Coding change: c.531del on transcript NM_006073.4 (MANE Select); coding-DNA position 531, one base deleted (A; older notation c.531delA).
Protein change: p.Glu178fs; shifts the reading frame from glutamic acid 178.
Molecular consequence: frameshift variant.
Genome position (GRCh38, 1-based): chr6:123,516,160, T deleted on the plus strand (A on the coding strand, the reverse complement: TRDN is on the minus strand); the first of 5 consecutive T bases (chr6:123,516,160-123,516,164); deleting any one gives the same sequence. VCF-style (leftmost placement, unchanged base first): chr6-123516159-CT-C. GRCh37 (hg19) VCF-style: chr6-123837304-CT-C.
Other names: c.531del, p.Glu178fs (NM_001251987.2, NM_001256020.2, NM_001256021.2); short protein forms E178fs.
Identifiers: ClinVar variation 1075032 (VCV001075032.9), dbSNP rs1432170970, ClinGen allele CA818346645.

ClinVar aggregate classification (germline): Pathogenic/Likely pathogenic. Review status: criteria provided, multiple submitters, no conflicts (2 of 4 stars). 2 submissions from 2 submitters: Pathogenic (1); Likely pathogenic (1). Last evaluated 2024-02-21.

Conditions:
Catecholaminergic polymorphic ventricular tachycardia 5 (CARDAR). Also called: Ventricular tachycardia, catecholaminergic polymorphic, 5, with or without muscle weakness; CARDIAC ARRHYTHMIA SYNDROME, WITH OR WITHOUT SKELETAL MUSCLE WEAKNESS. Identifiers: Orphanet 3286, MedGen C3809536, MONDO:0014191, OMIM 615441.
Catecholaminergic polymorphic ventricular tachycardia 1. Also called: VENTRICULAR TACHYCARDIA, CATECHOLAMINERGIC POLYMORPHIC, 1, WITH OR WITHOUT ATRIAL DYSFUNCTION AND/OR DILATED CARDIOMYOPATHY; VENTRICULAR TACHYCARDIA, STRESS-INDUCED POLYMORPHIC 1; RYR2-Related Catecholaminergic Polymorphic Ventricular Tachycardia. Identifiers: Orphanet 3286, MedGen C1631597, MONDO:0011484, OMIM 604772.

Submissions (2):

Labcorp Genetics (formerly Invitae), Labcorp
Classification: Pathogenic for Catecholaminergic polymorphic ventricular tachycardia 1. Last evaluated: 2024-02-21. Review status: criteria provided, single submitter. Criteria: Invitae Variant Classification Sherloc (09022015). Collection method: clinical testing. Allele origin: germline.
Comment: This sequence change creates a premature translational stop signal (p.Glu178Lysfs*45) in the TRDN gene. It is expected to result in an absent or disrupted protein product. Loss-of-function variants in TRDN are known to be pathogenic (PMID: 22422768, 25922419, 26200674, 30649896). This variant is not present in population databases (gnomAD no frequency). This variant has not been reported in the literature in individuals affected with TRDN-related conditions. ClinVar contains an entry for this variant (Variation ID: 1075032). For these reasons, this variant has been classified as Pathogenic.

Fulgent Genetics
Classification: Likely pathogenic for Catecholaminergic polymorphic ventricular tachycardia 1; Catecholaminergic polymorphic ventricular tachycardia 5. Last evaluated: 2021-08-26. Review status: criteria provided, single submitter. Criteria: ACMG Guidelines, 2015. Collection method: clinical testing. Allele origin: unknown.

Literature cited by the submitters: PubMed 22422768 (cited by Labcorp Genetics (formerly Invitae), Labcorp); PubMed 25922419 (cited by Labcorp Genetics (formerly Invitae), Labcorp); PubMed 26200674 (cited by Labcorp Genetics (formerly Invitae), Labcorp); PubMed 30649896 (cited by Labcorp Genetics (formerly Invitae), Labcorp).